The following is an entry in ClinVar:

NM_004044.7(ATIC):c.1528G>A (p.Ala510Thr)

Gene: ATIC (5-aminoimidazole-4-carboxamide ribonucleotide formyltransferase/IMP cyclohydrolase; plus strand). Cytogenetic location: 2q35.
Variant type: single nucleotide variant.
Coding change: c.1528G>A on transcript NM_004044.7 (MANE Select); coding-DNA position 1528, G replaced by A.
Protein change: p.Ala510Thr; replaces alanine 510 with threonine.
Molecular consequence: missense variant.
Genome position (GRCh38, 1-based): chr2:215,349,118, G>A. VCF-style: chr2-215349118-G-A. GRCh37 (hg19) VCF-style: chr2-216213841-G-A.
Other names: short protein forms A510T.
Identifiers: ClinVar variation 2462636 (VCV002462636.4), dbSNP rs150270007, ClinGen allele CA2093404.

ClinVar aggregate classification (germline): Uncertain significance. Review status: criteria provided, multiple submitters, no conflicts (2 of 4 stars). 2 submissions from 2 submitters: Uncertain significance (2). Last evaluated 2025-03-22.

Allele frequency attached by ClinVar (database versions not stated): ExAC 0.00005; TOPMed 0.00009; ESP Exome Variant Server 0.00054.
gnomAD v4.1: 386 of 1,613,914 alleles (0.024%); highest among the groups gnomAD compares: Non-Finnish European, 0.032%; no homozygotes.

Submissions (2):

Ambry Genetics
Classification: Uncertain significance. Last evaluated: 2025-03-22. Review status: criteria provided, single submitter. Criteria: Ambry Variant Classification Scheme 2023. Collection method: clinical testing. Allele origin: germline.

Greenwood Genetic Center Diagnostic Laboratories, Greenwood Genetic Center
Classification: Uncertain significance. Last evaluated: 2023-08-08. Review status: criteria provided, single submitter. Criteria: ACMG Guidelines, 2015. Collection method: clinical testing. Allele origin: germline. Affected: yes.
Comment: PM2